The following is an entry in ClinVar:

NM_000388.4(CASR):c.1529A>G (p.Tyr510Cys)

Gene: CASR (calcium sensing receptor; plus strand). Cytogenetic location: 3q21.1.
Variant type: single nucleotide variant.
Coding change: c.1529A>G on transcript NM_000388.4 (MANE Select); coding-DNA position 1529, A replaced by G.
Protein change: p.Tyr510Cys; replaces tyrosine 510 with cysteine.
Molecular consequence: missense variant.
Genome position (GRCh38, 1-based): chr3:122,275,963, A>G. VCF-style: chr3-122275963-A-G. GRCh37 (hg19) VCF-style: chr3-121994810-A-G.
Other names: c.1529A>G, p.Tyr510Cys (NM_001178065.2); short protein forms Y510C.
Identifiers: ClinVar variation 938067 (VCV000938067.16), dbSNP rs372504955, ClinGen allele CA2569673.

ClinVar aggregate classification (germline): Uncertain significance. Review status: criteria provided, multiple submitters, no conflicts (2 of 4 stars). 4 submissions from 4 submitters: Uncertain significance (4). Last evaluated 2024-07-01.

Conditions:
Nephrolithiasis/nephrocalcinosis. Identifiers: MedGen CN580796.
Epilepsy, idiopathic generalized, susceptibility to, 8. Identifiers: MedGen C2752062, MONDO:0013032, OMIM 612899.
Autosomal dominant hypocalcemia 1 (HYPOC1). Also called: HYPOCALCEMIA, FAMILIAL. Identifiers: MedGen C3715128, MONDO:0011013, OMIM 601198.
Familial hypocalciuric hypercalcemia 1. Also called: Hypercalcemia, familial benign type 1. Identifiers: Orphanet 405, Orphanet 93372, MedGen C0342637, MONDO:0007791, OMIM 145980.
Neonatal severe primary hyperparathyroidism. Identifiers: Orphanet 417, MedGen C1832615, MONDO:0009397, OMIM 239200.
Familial hypocalciuric hypercalcemia (FHH). Also called: Familial benign hypercalcemia. Identifiers: Orphanet 405, MedGen C1809471, MONDO:0018458.

Allele frequency attached by ClinVar (database versions not stated): gnomAD exomes below 0.00001 and 0.00001; ExAC 0.00001; TOPMed 0.00002; gnomAD 0.00004; ESP Exome Variant Server 0.00008.
gnomAD v4.1: 7 of 1,614,006 alleles (0.00043%); highest among the groups gnomAD compares: African/African-American, 0.0093%; no homozygotes.

Submissions (4):

GeneDx
Classification: Uncertain significance. Last evaluated: 2024-07-01. Review status: criteria provided, single submitter. Criteria: GeneDx Variant Classification Process June 2021. Collection method: clinical testing. Allele origin: germline. Affected: yes.
Comment: Not observed at significant frequency in large population cohorts (gnomAD); In silico analysis indicates that this missense variant does not alter protein structure/function; Has not been previously published as pathogenic or benign to our knowledge

Fulgent Genetics
Classification: Uncertain significance for Familial hypocalciuric hypercalcemia 1; Neonatal severe primary hyperparathyroidism; Autosomal dominant hypocalcemia 1; Epilepsy, idiopathic generalized, susceptibility to, 8. Last evaluated: 2024-05-30. Review status: criteria provided, single submitter. Criteria: ACMG Guidelines, 2015. Collection method: clinical testing. Allele origin: germline.

Labcorp Genetics (formerly Invitae), Labcorp
Classification: Uncertain significance for Familial hypocalciuric hypercalcemia; Autosomal dominant hypocalcemia 1. Last evaluated: 2024-01-29. Review status: criteria provided, single submitter. Criteria: Invitae Variant Classification Sherloc (09022015). Collection method: clinical testing. Allele origin: germline.
Comment: This sequence change replaces tyrosine, which is neutral and polar, with cysteine, which is neutral and slightly polar, at codon 510 of the CASR protein (p.Tyr510Cys). This variant is present in population databases (rs372504955, gnomAD 0.02%). This variant has not been reported in the literature in individuals affected with CASR-related conditions. ClinVar contains an entry for this variant (Variation ID: 938067). An algorithm developed to predict the effect of missense changes on protein structure and function (PolyPhen-2) suggests that this variant is likely to be disruptive. In summary, the available evidence is currently insufficient to determine the role of this variant in disease. Therefore, it has been classified as a Variant of Uncertain Significance.

Ambry Genetics
Classification: Uncertain significance for Nephrolithiasis/nephrocalcinosis. Last evaluated: 2023-11-03. Review status: criteria provided, single submitter. Criteria: Ambry Variant Classification Scheme 2023. Collection method: clinical testing. Allele origin: germline.
Comment: The p.Y510C variant (also known as c.1529A>G), located in coding exon 4 of the CASR gene, results from an A to G substitution at nucleotide position 1529. The tyrosine at codon 510 is replaced by cysteine, an amino acid with highly dissimilar properties. This amino acid position is conserved. In addition, the in silico prediction for this alteration is inconclusive. Since supporting evidence is limited at this time, the clinical significance of this alteration remains unclear.